The following is an entry in ClinVar:

ClinVar aggregate classification (germline): Uncertain significance (1 of 4 stars; one submission).

Allele frequency attached by ClinVar (database versions not stated): TOPMed below 0.00001; ExAC 0.00002; gnomAD exomes 0.00002.
gnomAD v4.1: 4 of 1,613,664 alleles (0.00025%); highest among the groups gnomAD compares: East Asian, 0.0045%; no homozygotes.

Submission:

Labcorp Genetics (formerly Invitae), Labcorp
Classification: Uncertain significance. Last evaluated: 2021-10-07. Review status: criteria provided, single submitter. Criteria: Invitae Variant Classification Sherloc (09022015). Collection method: clinical testing. Allele origin: germline.
Comment: In summary, the available evidence is currently insufficient to determine the role of this variant in disease. Therefore, it has been classified as a Variant of Uncertain Significance. Algorithms developed to predict the effect of missense changes on protein structure and function are either unavailable or do not agree on the potential impact of this missense change (SIFT: "Deleterious"; PolyPhen-2: "Benign"; Align-GVGD: "Class C0"). This variant has not been reported in the literature in individuals affected with RBBP8-related conditions. This variant is present in population databases (rs756768828, ExAC 0.02%). This sequence change replaces alanine with valine at codon 582 of the RBBP8 protein (p.Ala582Val). The alanine residue is weakly conserved and there is a small physicochemical difference between alanine and valine.

NM_002894.3(RBBP8):c.1745C>T (p.Ala582Val)

Gene: RBBP8 (RB binding protein 8, endonuclease; plus strand). Cytogenetic location: 18q11.2.
Variant type: single nucleotide variant.
Coding change: c.1745C>T on transcript NM_002894.3 (MANE Select); coding-DNA position 1745, C replaced by T.
Protein change: p.Ala582Val; replaces alanine 582 with valine.
Molecular consequence: missense variant.
Genome position (GRCh38, 1-based): chr18:22,993,572, C>T. VCF-style: chr18-22993572-C-T. GRCh37 (hg19) VCF-style: chr18-20573535-C-T.
Other names: c.1745C>T, p.Ala582Val (NM_203291.2, NM_203292.2); short protein forms A582V.
Identifiers: ClinVar variation 1483137 (VCV001483137.6), dbSNP rs756768828, ClinGen allele CA8910119.